The following is an entry in ClinVar:

NM_006904.7(PRKDC):c.1624-3A>C

Gene: PRKDC (protein kinase, DNA-activated, catalytic subunit; minus strand). Cytogenetic location: 8q11.21.
Variant type: single nucleotide variant.
Coding change: c.1624-3A>C on transcript NM_006904.7 (MANE Select); 3 bases into the intron before coding-DNA position 1624, A replaced by C.
Molecular consequence: intron variant.
Genome position (GRCh38, 1-based): chr8:47,933,175, T>G on the plus strand (A>C on the coding strand, the complement: PRKDC is on the minus strand). VCF-style: chr8-47933175-T-G. GRCh37 (hg19) VCF-style: chr8-48845735-T-G.
Other names: c.1624-3A>C (NM_001081640.2).
Identifiers: ClinVar variation 1403713 (VCV001403713.6), dbSNP rs2090286708, ClinGen allele CA2573143204.

ClinVar aggregate classification (germline): Uncertain significance (1 of 4 stars; one submission).

Conditions:
Severe combined immunodeficiency due to DNA-PKcs deficiency. Also called: IMMUNODEFICIENCY 26 WITH NEUROLOGIC ABNORMALITIES; Immunodeficiency 26 with or without neurologic abnormalities. Identifiers: Orphanet 317425, MedGen C4014833, MONDO:0014423, OMIM 615966.

Allele frequency attached by ClinVar (database versions not stated): gnomAD exomes below 0.00001.
gnomAD v4.1: 1 of 1,486,148 alleles (0.000067%); highest among the groups gnomAD compares: East Asian, 0.0025%; no homozygotes.

Submission:

Labcorp Genetics (formerly Invitae), Labcorp
Classification: Uncertain significance for Severe combined immunodeficiency due to DNA-PKcs deficiency. Last evaluated: 2021-07-01. Review status: criteria provided, single submitter. Criteria: Invitae Variant Classification Sherloc (09022015). Collection method: clinical testing. Allele origin: germline.
Comment: This sequence change falls in intron 15 of the PRKDC gene. It does not directly change the encoded amino acid sequence of the PRKDC protein. It affects a nucleotide within the consensus splice site of the intron. This variant is not present in population databases (ExAC no frequency). This variant has not been reported in the literature in individuals affected with PRKDC-related conditions. Nucleotide substitutions within the consensus splice site are a relatively common cause of aberrant splicing (PMID: 17576681, 9536098). Algorithms developed to predict the effect of sequence changes on RNA splicing suggest that this variant is not likely to affect RNA splicing. In summary, the available evidence is currently insufficient to determine the role of this variant in disease. Therefore, it has been classified as a Variant of Uncertain Significance.

Literature cited by the submitters: PubMed 17576681; PubMed 9536098.